The following is an entry in ClinVar:

NM_001042492.3(NF1):c.8100A>G (p.Thr2700=)

Gene: NF1 (neurofibromin 1; plus strand). Cytogenetic location: 17q11.2.
Variant type: single nucleotide variant.
Coding change: c.8100A>G on transcript NM_001042492.3 (MANE Select); coding-DNA position 8100, A replaced by G.
Protein change: p.Thr2700=; no amino-acid change (threonine 2700 retained).
Molecular consequence: synonymous variant.
Genome position (GRCh38, 1-based): chr17:31,358,609, A>G. VCF-style: chr17-31358609-A-G. GRCh37 (hg19) VCF-style: chr17-29685627-A-G.
Other names: c.8037A>G, p.Thr2679= (NM_000267.4).
Identifiers: ClinVar variation 704097 (VCV000704097.13), dbSNP rs1597868278, ClinGen allele CA499345582.

ClinVar aggregate classification (germline): Benign/Likely benign. Review status: criteria provided, multiple submitters, no conflicts (2 of 4 stars). 3 submissions from 3 submitters: Benign (1); Likely benign (2). Last evaluated 2026-05-22.

Conditions:
Hereditary cancer-predisposing syndrome. Also called: Hereditary Cancer Syndrome; Hereditary neoplastic syndrome; Neoplastic Syndromes, Hereditary; Tumor predisposition. Identifiers: Orphanet 140162, MedGen C0027672, MeSH D009386, MONDO:0015356.
Cardiovascular phenotype. Identifiers: MedGen CN230736.
Neurofibromatosis, type 1 (NF1). Also called: Neurofibromatosis, type I; VON RECKLINGHAUSEN DISEASE; NEUROFIBROMATOSIS, TYPE I, SOMATIC; Peripheral type neurofibromatosis. Identifiers: Orphanet 636, MedGen C0027831, MONDO:0018975, OMIM 162200. Disease mechanism: loss of function.

Allele frequency attached by ClinVar (database versions not stated): gnomAD exomes below 0.00001.
gnomAD v4.1: 3 of 1,614,064 alleles (0.00019%); highest among the groups gnomAD compares: Non-Finnish European, 0.00025%; no homozygotes.

Submissions (3):

Myriad Genetics, Inc.
Classification: Benign for Neurofibromatosis, type 1. Last evaluated: 2026-05-22. Review status: criteria provided, single submitter. Criteria: Myriad Autosomal Dominant, Autosomal Recessive and X-Linked Classification Criteria (2023). Collection method: clinical testing. Allele origin: unknown.
Comment: This variant is considered benign. This variant is a silent/synonymous amino acid change and it is not expected to impact splicing.

Labcorp Genetics (formerly Invitae), Labcorp
Classification: Likely benign for Neurofibromatosis, type 1. Last evaluated: 2025-08-24. Review status: criteria provided, single submitter. Criteria: Invitae Variant Classification Sherloc (09022015). Collection method: clinical testing. Allele origin: germline.

Ambry Genetics
Classification: Likely benign for Cardiovascular phenotype; Hereditary cancer-predisposing syndrome. Last evaluated: 2019-05-30. Review status: criteria provided, single submitter. Criteria: Ambry Variant Classification Scheme 2023. Collection method: clinical testing. Allele origin: germline.